The following is an entry in ClinVar:

ClinVar aggregate classification (germline): Uncertain significance. Review status: criteria provided, multiple submitters, no conflicts (2 of 4 stars). 3 submissions from 3 submitters: Uncertain significance (3). Last evaluated 2024-04-12.

Conditions:
Autosomal dominant limb-girdle muscular dystrophy type 1F (LGMDD2). Also called: Limb-girdle muscular dystrophy, type 1F; MUSCULAR DYSTROPHY, LIMB-GIRDLE, AUTOSOMAL DOMINANT 2. Identifiers: Orphanet 55595, MedGen C1842062, MONDO:0012034, OMIM 608423.

Allele frequency attached by ClinVar (database versions not stated): TOPMed below 0.00001; gnomAD exomes 0.00001; ExAC 0.00002.

Submissions (3):

Blueprint Genetics
Classification: Uncertain significance. Last evaluated: 2024-04-12. Review status: criteria provided, single submitter. Criteria: ACMG Guidelines, 2015. Collection method: clinical testing. Allele origin: germline.

Labcorp Genetics (formerly Invitae), Labcorp
Classification: Uncertain significance for Autosomal dominant limb-girdle muscular dystrophy type 1F. Last evaluated: 2022-06-20. Review status: criteria provided, single submitter. Criteria: Invitae Variant Classification Sherloc (09022015). Collection method: clinical testing. Allele origin: germline.
Comment: This sequence change replaces serine, which is neutral and polar, with leucine, which is neutral and non-polar, at codon 238 of the TNPO3 protein (p.Ser238Leu). This variant is present in population databases (rs748952773, gnomAD 0.003%). This variant has not been reported in the literature in individuals affected with TNPO3-related conditions. Algorithms developed to predict the effect of missense changes on protein structure and function (SIFT, PolyPhen-2, Align-GVGD) all suggest that this variant is likely to be tolerated. In summary, the available evidence is currently insufficient to determine the role of this variant in disease. Therefore, it has been classified as a Variant of Uncertain Significance.

Revvity Omics, Revvity
Classification: Uncertain significance for Autosomal dominant limb-girdle muscular dystrophy type 1F. Last evaluated: 2021-05-31. Review status: criteria provided, single submitter. Criteria: ACMG Guidelines, 2015. Collection method: clinical testing. Allele origin: germline.

NM_012470.4(TNPO3):c.713C>T (p.Ser238Leu)

Gene: TNPO3 (transportin 3; minus strand). Cytogenetic location: 7q32.1.
Variant type: single nucleotide variant.
Coding change: c.713C>T on transcript NM_012470.4 (MANE Select); coding-DNA position 713, C replaced by T.
Protein change: p.Ser238Leu; replaces serine 238 with leucine.
Molecular consequence: missense variant. On other transcripts: non-coding transcript variant (18).
Genome position (GRCh38, 1-based): chr7:129,001,218, G>A on the plus strand (C>T on the coding strand, the complement: TNPO3 is on the minus strand). VCF-style: chr7-129001218-G-A. GRCh37 (hg19) VCF-style: chr7-128641272-G-A.
Other names: c.713C>T (NM_012470.3); c.713C>T, p.Ser238Leu (NM_001191028.3, NM_001382216.1, NM_001382218.1 and 4 more transcripts); c.794C>T, p.Ser265Leu (NM_001382217.1); c.569C>T, p.Ser190Leu (NM_001382221.1); short protein forms S238L, S265L, S190L.
Identifiers: ClinVar variation 1405552 (VCV001405552.11), dbSNP rs748952773, ClinGen allele CA4478335.